The following is an entry in ClinVar:

ClinVar aggregate classification (germline): Likely pathogenic (1 of 4 stars; one submission).

Conditions:
COL4A3-related disorder. Also called: COL4A3-Related Disorders; COL4A3-related condition.

Submission:

PreventionGenetics, part of Exact Sciences
Classification: Likely pathogenic for COL4A3-related condition. Last evaluated: 2025-12-17. Review status: criteria provided, single submitter. Criteria: ACMG Guidelines, 2015. Collection method: clinical testing. Allele origin: germline.
Comment: The COL4A3 c.1936_1944dup9 variant is predicted to result in an in-frame duplication (p.Gly646_Leu648dup). To our knowledge, this variant has not been reported in the literature or in a large population database (gnomAD), indicating this variant is rare. This variant is located within the sequence region that encodes the conserved triple helical domain, where substitutions or in-frame length changes (deletions, duplications or insertions) of the glycine are usually pathogenic (UniProt residues 43-1438, Hudson et al. 1993. PubMed ID: 8253711; see for example, p.Gly139Arg in Plevova et al. 2023. PubMed ID: 36844206; p.Lys577_Leu579del in Hou et al. 2008. PubMed ID: 18649777 and p.Ala990_Pro993del in Hirabayashi et al. 2022. PubMed ID: 36292665; c.3546_3548dup, p.Gly1183dup in Table S7 of Groopman et al. 2019. PubMed ID: 30586318 and Supplementary Table 2 of Ćomić et al. 2022. PubMed ID: 36117978; c.3547_3548insGGA, p.Gly1183_Asn1184insArg in Slajpah et al. 2007. PubMed ID: 17396119). These variants are widely considered to have a dominant negative effect and disrupt the normal assembly and stability of the collagen type IV network (see for example, Riedhammer et al. 2024. PubMed ID: 38214412). The c.1936_1944dup (p.Gly646_Leu648dup) is interpreted as likely pathogenic for both autosomal dominant and recessive COL4A3-related Alport syndrome spectrum disorders.

NM_000091.5(COL4A3):c.1936_1944dup (p.Leu648_Ser649insGlyGluLeu)

Genes: COL4A3 (collagen type IV alpha 3 chain; plus strand), MFF-DT (MFF divergent transcript; minus strand). Cytogenetic location: 2q36.3.
Variant type: Duplication.
Coding change: c.1936_1944dup on transcript NM_000091.5 (MANE Select); coding-DNA positions 1936 to 1944, 9 bases duplicated (GGAGAGCTC; older notation c.1936_1944dupGGAGAGCTC).
Protein change: p.Leu648_Ser649insGlyGluLeu.
Molecular consequence: inframe insertion. On other transcripts: inframe indel (1).
Genome position (GRCh38, 1-based): chr2:227,276,393-227,276,401, GGAGAGCTC duplicated. VCF-style (leftmost placement, unchanged base first): chr2-227276392-G-GGGAGAGCTC. GRCh37 (hg19) VCF-style: chr2-228141108-G-GGGAGAGCTC.
Other names: c.1936_1944dup9 (NM_000091.4).
Identifiers: ClinVar variation 4994442 (VCV004994442.1).
Genomic context (GRCh38, chr2:227,276,392, plus strand): 5'-CTAAGACAAGCTTCAATATATACCCCAATCTTATGACCACAAATTTCCTTAAGGCCCTAG[G>GGGAGAGCTC]GGAGAGCTCAGTGTTTCAACACCAGTTCCAGGCCCACCAGGACCTCCAGGGCCCCCTGGC-3'